The following is an entry in ClinVar:

NM_138420.4(AHNAK2):c.3094C>G (p.Leu1032Val)

Gene: AHNAK2 (AHNAK nucleoprotein 2; minus strand). Cytogenetic location: 14q32.33.
Variant type: single nucleotide variant.
Coding change: c.3094C>G on transcript NM_138420.4 (MANE Select); coding-DNA position 3094, C replaced by G.
Protein change: p.Leu1032Val; replaces leucine 1032 with valine.
Molecular consequence: missense variant.
Genome position (GRCh38, 1-based): chr14:104,952,357, G>C on the plus strand (C>G on the coding strand, the complement: AHNAK2 is on the minus strand). VCF-style: chr14-104952357-G-C. GRCh37 (hg19) VCF-style: chr14-105418694-G-C.
Other names: c.2794C>G, p.Leu932Val (NM_001350929.2); short protein forms L1032V, L932V.
Identifiers: ClinVar variation 2365763 (VCV002365763.26), dbSNP rs140208061, ClinGen allele CA7383229.

ClinVar aggregate classification (germline): Benign/Likely benign. Review status: criteria provided, multiple submitters, no conflicts (2 of 4 stars). 2 submissions from 2 submitters: Benign (1); Likely benign (1). Last evaluated 2022-10-01.

Allele frequency attached by ClinVar (database versions not stated): ESP Exome Variant Server 0.00016; 1000 Genomes Project 0.00180; 1000 Genomes Project 30x 0.01921.
gnomAD v4.1: 918 of 1,595,034 alleles (0.058%); highest among the groups gnomAD compares: Admixed American, 0.16%; 2 homozygotes.

Submissions (2):

CeGaT Center for Human Genetics Tuebingen
Classification: Benign. Last evaluated: 2022-10-01. Review status: criteria provided, single submitter. Criteria: CeGaT Center For Human Genetics Tuebingen Variant Classification Criteria Version 2. Collection method: clinical testing. Allele origin: germline. Affected: yes. Observed: 1 variant allele.
Comment: AHNAK2: BS1, BS2

Ambry Genetics
Classification: Likely benign. Last evaluated: 2022-01-31. Review status: criteria provided, single submitter. Criteria: Ambry Variant Classification Scheme 2023. Collection method: clinical testing. Allele origin: germline.